The following is an entry in ClinVar:

NM_022367.4(SEMA4A):c.302T>C (p.Ile101Thr)

Gene: SEMA4A (semaphorin 4A; plus strand). Cytogenetic location: 1q22.
Variant type: single nucleotide variant.
Coding change: c.302T>C on transcript NM_022367.4 (MANE Select); coding-DNA position 302, T replaced by C.
Protein change: p.Ile101Thr; replaces isoleucine 101 with threonine.
Molecular consequence: missense variant. On other transcripts: 5 prime UTR variant (2).
Genome position (GRCh38, 1-based): chr1:156,158,071, T>C. VCF-style: chr1-156158071-T-C. GRCh37 (hg19) VCF-style: chr1-156127862-T-C.
Other names: c.302T>C, p.Ile101Thr (NM_001193300.2, NM_001193301.2, NM_001370567.1); c.5T>C, p.Ile2Thr (NM_001193302.2, NM_001370568.1); c.-223T>C (NM_001370569.1, NM_001370571.1); short protein forms I2T, I101T.
Identifiers: ClinVar variation 806246 (VCV000806246.55), dbSNP rs149652495, ClinGen allele CA1154994.

ClinVar aggregate classification (germline): Conflicting classifications of pathogenicity. Review status: criteria provided, conflicting classifications (1 of 4 stars). 6 submissions from 5 submitters: Likely pathogenic (1); Uncertain significance (5). Last evaluated 2025-11-25.

Conditions:
Retinitis pigmentosa (RP). Identifiers: Orphanet 791, MedGen C0035334, MeSH D012174, MONDO:0019200, OMIM 268000. Inheritance: Autosomal dominant, autosomal recessive and X linked inheritance.
Retinal dystrophy. Also called: Inherited retinal dystrophy. Identifiers: Orphanet 71862, MedGen C0854723, MeSH D058499, MONDO:0019118, HP:0000556.
Cone-rod dystrophy 10 (CORD10). Identifiers: Orphanet 1872, MedGen C1846529, MONDO:0012464, OMIM 610283.

Allele frequency attached by ClinVar (database versions not stated): ESP Exome Variant Server 0.00015; gnomAD 0.00016 and 0.00017; gnomAD exomes 0.00016 and 0.00017; ExAC 0.00018; TOPMed 0.00025.
gnomAD v4.1: 276 of 1,614,016 alleles (0.017%); highest among the groups gnomAD compares: Non-Finnish European, 0.021%; no homozygotes.

Submissions (6):

Labcorp Genetics (formerly Invitae), Labcorp
Classification: Uncertain significance. Last evaluated: 2025-11-25. Review status: criteria provided, single submitter. Criteria: Invitae Variant Classification Sherloc (09022015). Collection method: clinical testing. Allele origin: germline.
Comment: This sequence change replaces isoleucine, which is neutral and non-polar, with threonine, which is neutral and polar, at codon 101 of the SEMA4A protein (p.Ile101Thr). This variant is present in population databases (rs149652495, gnomAD 0.03%). This missense change has been observed in individual(s) with inherited retinal disorders (PMID: 26103963, 32483926). ClinVar contains an entry for this variant (Variation ID: 806246). An algorithm developed to predict the effect of missense changes on protein structure and function (PolyPhen-2) suggests that this variant is likely to be disruptive. In summary, the available evidence is currently insufficient to determine the role of this variant in disease. Therefore, it has been classified as a Variant of Uncertain Significance.

Blueprint Genetics
Classification: Uncertain significance. Last evaluated: 2023-11-01. Review status: criteria provided, single submitter. Criteria: ACMG Guidelines, 2015. Collection method: clinical testing. Allele origin: germline.

Institute of Human Genetics, Univ. Regensburg, Univ. Regensburg
Classification: Uncertain significance for Retinal dystrophy. Last evaluated: 2020-01-01. Review status: criteria provided, single submitter. Criteria: ACMG Guidelines, 2015. Collection method: clinical testing. Allele origin: germline. Affected: yes.

Illumina Laboratory Services, Illumina
Classification: Uncertain significance for Retinitis pigmentosa. Last evaluated: 2017-04-28. Review status: criteria provided, single submitter. Criteria: ICSL Variant Classification Criteria 13 December 2019. Collection method: clinical testing. Allele origin: germline.

Illumina Laboratory Services, Illumina
Classification: Uncertain significance for Cone-rod dystrophy 10. Last evaluated: 2017-04-28. Review status: criteria provided, single submitter. Criteria: ICSL Variant Classification Criteria 13 December 2019. Collection method: clinical testing. Allele origin: germline.
Comment: This variant was observed as part of a predisposition screen in an ostensibly healthy population. A literature search was performed for the gene, cDNA change, and amino acid change (where applicable). Publications were found based on this search. However, the evidence from the literature, in combination with allele frequency data from public databases where available, was not sufficient to rule this variant in or out of causing disease. Therefore, this variant is classified as a variant of unknown significance.

CeGaT Center for Human Genetics Tuebingen
Classification: Likely pathogenic. Last evaluated: 2016-12-01. Review status: criteria provided, single submitter. Criteria: CeGaT Center For Human Genetics Tuebingen Variant Classification Criteria Version 2. Collection method: clinical testing. Allele origin: germline. Affected: yes. Observed: 1 variant allele.

Literature cited by the submitters: PubMed 26103963 (cited by 3 submitters); PubMed 32483926 (cited by Labcorp Genetics (formerly Invitae), Labcorp and Institute of Human Genetics, Univ. Regensburg, Univ. Regensburg); PubMed 30910914 (cited by Institute of Human Genetics, Univ. Regensburg, Univ. Regensburg).